The following is an entry in ClinVar:

NM_000264.5(PTCH1):c.2514dup (p.Gln839fs)

Genes: PTCH1 (patched 1; minus strand), LOC100507346 (uncharacterized LOC100507346; plus strand). Cytogenetic location: 9q22.32.
Variant type: Duplication.
Coding change: c.2514dup on transcript NM_000264.5 (MANE Select); coding-DNA position 2514, one base duplicated (A; older notation c.2514dupA).
Protein change: p.Gln839fs; shifts the reading frame from glutamine 839.
Molecular consequence: frameshift variant. On other transcripts: non-coding transcript variant (2).
Genome position (GRCh38, 1-based): chr9:95,467,162, T duplicated on the plus strand (A on the coding strand, the reverse complement: PTCH1 is on the minus strand); the first of 3 consecutive T bases (chr9:95,467,162-95,467,164); duplicating any one gives the same sequence. VCF-style (leftmost placement, unchanged base first): chr9-95467161-G-GT. GRCh37 (hg19) VCF-style: chr9-98229443-G-GT.
Other names: c.2358dup, p.Gln787fs (NM_001354918.2); c.2316dup, p.Gln773fs (NM_001083602.3); c.2511dup, p.Gln838fs (NM_001083603.3); c.2061dup, p.Gln688fs (NM_001083604.3, NM_001083605.3, NM_001083606.3 and 1 more transcripts); short protein forms Q773fs, Q688fs, Q839fs, Q787fs, Q838fs.
Identifiers: ClinVar variation 2740294 (VCV002740294.3), dbSNP rs2538129419, ClinGen allele CA2697557851.

ClinVar aggregate classification (germline): Pathogenic (1 of 4 stars; one submission).

Conditions:
Gorlin syndrome. Also called: Basal cell nevus syndrome; Nevoid Basal Cell Carcinoma Syndrome. Identifiers: Orphanet 377, MedGen C0004779, MONDO:0007187.

Submission:

Labcorp Genetics (formerly Invitae), Labcorp
Classification: Pathogenic for Gorlin syndrome. Last evaluated: 2023-07-10. Review status: criteria provided, single submitter. Criteria: Invitae Variant Classification Sherloc (09022015). Collection method: clinical testing. Allele origin: germline.
Comment: This sequence change creates a premature translational stop signal (p.Gln839Thrfs*22) in the PTCH1 gene. It is expected to result in an absent or disrupted protein product. Loss-of-function variants in PTCH1 are known to be pathogenic (PMID: 16301862, 16419085). For these reasons, this variant has been classified as Pathogenic. This variant has not been reported in the literature in individuals affected with PTCH1-related conditions. This variant is not present in population databases (gnomAD no frequency).

Literature cited by the submitters: PubMed 16301862; PubMed 16419085.